The following is an entry in ClinVar:

ClinVar aggregate classification (germline): Benign/Likely benign. Review status: criteria provided, multiple submitters, no conflicts (2 of 4 stars). 9 submissions from 8 submitters: Benign (2); Likely benign (7). Last evaluated 2026-02-01.

Conditions:
Retinitis pigmentosa 39 (RP39). Identifiers: Orphanet 791, MedGen C3151138, MONDO:0013436, OMIM 613809.
Usher syndrome type 2A. Also called: USHER SYNDROME, TYPE IIA; RETINAL DISEASE IN USHER SYNDROME TYPE IIA, MODIFIER OF. Identifiers: Orphanet 231178, Orphanet 886, MedGen C1848634, MONDO:0010169, OMIM 276901.

Allele frequency attached by ClinVar (database versions not stated): gnomAD 0.00001 and 0.00022; TOPMed 0.00008; gnomAD exomes 0.00041 and 0.00079; ExAC 0.00103; 1000 Genomes Project 0.00160; 1000 Genomes Project 30x 0.00187.
gnomAD v4.1: 632 of 1,613,982 alleles (0.039%); highest among the groups gnomAD compares: South Asian, 0.64%; 6 homozygotes.

Submissions (9):

Labcorp Genetics (formerly Invitae), Labcorp
Classification: Benign. Last evaluated: 2026-02-01. Review status: criteria provided, single submitter. Criteria: Invitae Variant Classification Sherloc (09022015). Collection method: clinical testing. Allele origin: germline.

CeGaT Center for Human Genetics Tuebingen
Classification: Likely benign. Last evaluated: 2025-10-01. Review status: criteria provided, single submitter. Criteria: CeGaT Center For Human Genetics Tuebingen Variant Classification Criteria Version 2. Collection method: clinical testing. Allele origin: germline. Affected: yes. Observed: 3 variant alleles.
Comment: USH2A: BP4, BP7

Blueprint Genetics
Classification: Likely benign. Last evaluated: 2024-11-18. Review status: criteria provided, single submitter. Criteria: ACMG Guidelines, 2015. Collection method: clinical testing. Allele origin: germline.

Genome-Nilou Lab
Classification: Likely benign for Retinitis pigmentosa 39. Last evaluated: 2023-11-04. Review status: criteria provided, single submitter. Criteria: ACMG Guidelines, 2015. Collection method: clinical testing. Allele origin: germline. Affected: no.

Genome-Nilou Lab
Classification: Likely benign for Usher syndrome type 2A. Last evaluated: 2023-11-04. Review status: criteria provided, single submitter. Criteria: ACMG Guidelines, 2015. Collection method: clinical testing. Allele origin: germline. Affected: no.

GeneDx
Classification: Benign. Last evaluated: 2018-11-20. Review status: criteria provided, single submitter. Criteria: GeneDx Variant Classification Process June 2021. Collection method: clinical testing. Allele origin: germline. Affected: yes.

Eurofins Ntd Llc (ga)
Classification: Likely benign. Last evaluated: 2015-11-12. Review status: criteria provided, single submitter. Criteria: EGL Classification Definitions 2015. Collection method: clinical testing. Allele origin: germline. Observed: 1 variant allele, 1 heterozygote.

Laboratory for Molecular Medicine, Mass General Brigham Personalized Medicine
Classification: Likely benign. Last evaluated: 2013-08-15. Review status: criteria provided, single submitter. Criteria: LMM Criteria. Collection method: clinical testing. Allele origin: germline. Observed: 2 variant alleles.
Comment: Asn5182Asn in Exon 72 of USH2A: This variant is not expected to have clinical s ignificance because it does not alter an amino acid residue and it is not locate d within the splice consensus sequence.

Breakthrough Genomics
Classification: Likely benign. Review status: criteria provided, single submitter. Criteria: ACMG Guidelines, 2015. Collection method: not provided. Allele origin: germline. Inheritance: Autosomal recessive inheritance. Affected: yes.

NM_206933.4(USH2A):c.15546C>T (p.Asn5182=)

Gene: USH2A (usherin; minus strand). Cytogenetic location: 1q41.
Variant type: single nucleotide variant.
Coding change: c.15546C>T on transcript NM_206933.4 (MANE Select); coding-DNA position 15546, C replaced by T.
Protein change: p.Asn5182=; no amino-acid change (asparagine 5182 retained).
Molecular consequence: synonymous variant.
Genome position (GRCh38, 1-based): chr1:215,625,844, G>A on the plus strand (C>T on the coding strand, the complement: USH2A is on the minus strand). VCF-style: chr1-215625844-G-A. GRCh37 (hg19) VCF-style: chr1-215799186-G-A.
Identifiers: ClinVar variation 179122 (VCV000179122.31), dbSNP rs546494522, ClinGen allele CA183775.